The following is an entry in ClinVar:

ClinVar aggregate classification (germline): Uncertain significance (1 of 4 stars; one submission).

Conditions:
Spermatogenic failure 18. Identifiers: MedGen C4539783, MONDO:0054615, OMIM 617576.
Ciliary dyskinesia, primary, 37 (CILD37). Also called: CILIARY DYSKINESIA, PRIMARY, 37, WITH OR WITHOUT SITUS INVERSUS. Identifiers: MedGen C4539798, MONDO:0033204, OMIM 617577.

Allele frequency attached by ClinVar (database versions not stated): ESP Exome Variant Server 0.00008; TOPMed 0.00016; gnomAD exomes 0.00017; gnomAD 0.00020 and 0.00022; ExAC 0.00037.
gnomAD v4.1: 705 of 1,590,712 alleles (0.044%); highest among the groups gnomAD compares: Non-Finnish European, 0.058%; no homozygotes.

Submission:

Labcorp Genetics (formerly Invitae), Labcorp
Classification: Uncertain significance for Ciliary dyskinesia, primary, 37; Spermatogenic failure 18. Last evaluated: 2024-10-21. Review status: criteria provided, single submitter. Criteria: Invitae Variant Classification Sherloc (09022015). Collection method: clinical testing. Allele origin: germline.
Comment: This sequence change replaces arginine, which is basic and polar, with histidine, which is basic and polar, at codon 939 of the DNAH1 protein (p.Arg939His). This variant is present in population databases (rs200463119, gnomAD 0.03%). This variant has not been reported in the literature in individuals affected with DNAH1-related conditions. ClinVar contains an entry for this variant (Variation ID: 935183). Invitae Evidence Modeling of protein sequence and biophysical properties (such as structural, functional, and spatial information, amino acid conservation, physicochemical variation, residue mobility, and thermodynamic stability) indicates that this missense variant is not expected to disrupt DNAH1 protein function with a negative predictive value of 80%. In summary, the available evidence is currently insufficient to determine the role of this variant in disease. Therefore, it has been classified as a Variant of Uncertain Significance.

NM_015512.5(DNAH1):c.2816G>A (p.Arg939His)

Gene: DNAH1 (dynein axonemal heavy chain 1; plus strand). Cytogenetic location: 3p21.1.
Variant type: single nucleotide variant.
Coding change: c.2816G>A on transcript NM_015512.5 (MANE Select); coding-DNA position 2816, G replaced by A.
Protein change: p.Arg939His; replaces arginine 939 with histidine.
Molecular consequence: missense variant.
Genome position (GRCh38, 1-based): chr3:52,352,048, G>A. VCF-style: chr3-52352048-G-A. GRCh37 (hg19) VCF-style: chr3-52386064-G-A.
Other names: short protein forms R939H.
Identifiers: ClinVar variation 935183 (VCV000935183.5), dbSNP rs200463119, ClinGen allele CA2433396.